The following is an entry in ClinVar:

ClinVar aggregate classification (germline): Uncertain significance (1 of 4 stars; one submission).

Conditions:
Duane-radial ray syndrome (DRRS). Also called: ACRORENOOCULAR SYNDROME; DR SYNDROME; DUANE ANOMALY WITH RADIAL RAY ABNORMALITIES AND DEAFNESS; Okihiro Syndrome; Duane-Radial Ray Syndrome/Okihiro Syndrome; Duane-Radial Ray Syndrome (DRRS) / Okihiro Syndrome. Identifiers: Orphanet 93293, Orphanet 959, MedGen C1623209, MONDO:0011812, OMIM 607323. Disease mechanism: gain of function.

Allele frequency attached by ClinVar (database versions not stated): gnomAD exomes below 0.00001.
gnomAD v4.1: 1 of 1,614,210 alleles (0.000062%); highest among the groups gnomAD compares: Non-Finnish European, 0.000085%; no homozygotes.

Submission:

Labcorp Genetics (formerly Invitae), Labcorp
Classification: Uncertain significance for Duane-radial ray syndrome. Last evaluated: 2022-11-10. Review status: criteria provided, single submitter. Criteria: Invitae Variant Classification Sherloc (09022015). Collection method: clinical testing. Allele origin: germline.
Comment: This variant is not present in population databases (gnomAD no frequency). This sequence change replaces threonine, which is neutral and polar, with isoleucine, which is neutral and non-polar, at codon 259 of the SALL4 protein (p.Thr259Ile). This variant has not been reported in the literature in individuals affected with SALL4-related conditions. In summary, the available evidence is currently insufficient to determine the role of this variant in disease. Therefore, it has been classified as a Variant of Uncertain Significance. Algorithms developed to predict the effect of missense changes on protein structure and function are either unavailable or do not agree on the potential impact of this missense change (SIFT: "Tolerated"; PolyPhen-2: "Possibly Damaging"; Align-GVGD: "Class C0").

NM_020436.5(SALL4):c.776C>T (p.Thr259Ile)

Gene: SALL4 (spalt like transcription factor 4; minus strand). Cytogenetic location: 20q13.2.
Variant type: single nucleotide variant.
Coding change: c.776C>T on transcript NM_020436.5 (MANE Select); coding-DNA position 776, C replaced by T.
Protein change: p.Thr259Ile; replaces threonine 259 with isoleucine.
Molecular consequence: missense variant.
Genome position (GRCh38, 1-based): chr20:51,791,707, G>A on the plus strand (C>T on the coding strand, the complement: SALL4 is on the minus strand). VCF-style: chr20-51791707-G-A. GRCh37 (hg19) VCF-style: chr20-50408246-G-A.
Other names: c.776C>T, p.Thr259Ile (NM_001318031.2); short protein forms T259I.
Identifiers: ClinVar variation 2797035 (VCV002797035.3), dbSNP rs2515717812, ClinGen allele CA409015641.